The following is an entry in ClinVar:

NM_000130.5(F5):c.3382C>A (p.Gln1128Lys)

Gene: F5 (coagulation factor V; minus strand). Cytogenetic location: 1q24.2.
Variant type: single nucleotide variant.
Coding change: c.3382C>A on transcript NM_000130.5 (MANE Select); coding-DNA position 3382, C replaced by A.
Protein change: p.Gln1128Lys; replaces glutamine 1128 with lysine.
Molecular consequence: missense variant.
Genome position (GRCh38, 1-based): chr1:169,541,708, G>T on the plus strand (C>A on the coding strand, the complement: F5 is on the minus strand). VCF-style: chr1-169541708-G-T. GRCh37 (hg19) VCF-style: chr1-169510946-G-T.
Other names: short protein forms Q1128K.
Identifiers: ClinVar variation 3604084 (VCV003604084.1).

ClinVar aggregate classification (germline): Uncertain significance (1 of 4 stars; one submission).

Conditions:
Congenital factor V deficiency. Also called: LABILE FACTOR DEFICIENCY; OWREN PARAHEMOPHILIA; PARAHEMOPHILIA; Hereditary factor V deficiency disease. Identifiers: Orphanet 326, MedGen C0015499, MONDO:0009210, OMIM 227400.

Submission:

Labcorp Genetics (formerly Invitae), Labcorp
Classification: Uncertain significance for Congenital factor V deficiency. Last evaluated: 2024-04-07. Review status: criteria provided, single submitter. Criteria: Invitae Variant Classification Sherloc (09022015). Collection method: clinical testing. Allele origin: germline.
Comment: This sequence change replaces glutamine, which is neutral and polar, with lysine, which is basic and polar, at codon 1128 of the F5 protein (p.Gln1128Lys). This variant is not present in population databases (gnomAD no frequency). This variant has not been reported in the literature in individuals affected with F5-related conditions. Advanced modeling of protein sequence and biophysical properties (such as structural, functional, and spatial information, amino acid conservation, physicochemical variation, residue mobility, and thermodynamic stability) performed at Invitae indicates that this missense variant is not expected to disrupt F5 protein function with a negative predictive value of 80%. In summary, the available evidence is currently insufficient to determine the role of this variant in disease. Therefore, it has been classified as a Variant of Uncertain Significance.